The following is an entry in ClinVar:

ClinVar aggregate classification (germline): Benign/Likely benign. Review status: criteria provided, multiple submitters, no conflicts (2 of 4 stars). 7 submissions from 7 submitters: Benign (3); Likely benign (2). 2 of the submissions do not count toward it. Last evaluated 2026-02-01.

Conditions:
VAV1-related disorder. Also called: VAV1-related condition.

Allele frequency attached by ClinVar (database versions not stated): 1000 Genomes Project 30x 0.00125; 1000 Genomes Project 0.00140; TOPMed 0.00359; gnomAD exomes 0.00371 and 0.00460; gnomAD 0.00381 and 0.00385; ExAC 0.00398; ESP Exome Variant Server 0.00461.

Submissions (7):

Labcorp Genetics (formerly Invitae), Labcorp
Classification: Benign. Last evaluated: 2026-02-01. Review status: criteria provided, single submitter. Criteria: Invitae Variant Classification Sherloc (09022015). Collection method: clinical testing. Allele origin: germline.

PreventionGenetics, part of Exact Sciences
Classification: Likely benign for VAV1-related condition. Last evaluated: 2025-06-20. Review status: criteria provided, single submitter. Criteria: ACMG Guidelines, 2015. Collection method: clinical testing. Allele origin: germline.
Comment: This variant is classified as likely benign based on ACMG/AMP sequence variant interpretation guidelines (Richards et al. 2015 PMID: 25741868, with internal and published modifications).

CeGaT Center for Human Genetics Tuebingen
Classification: Likely benign. Last evaluated: 2024-02-01. Review status: criteria provided, single submitter. Criteria: CeGaT Center For Human Genetics Tuebingen Variant Classification Criteria Version 2. Collection method: clinical testing. Allele origin: germline. Affected: yes. Observed: 4 variant alleles.
Comment: VAV1: BP4, BP7, BS2

ARUP Laboratories, Molecular Genetics and Genomics, ARUP Laboratories
Classification: Benign. Last evaluated: 2023-09-11. Review status: criteria provided, single submitter. Criteria: ARUP Molecular Germline Variant Investigation Process 2024. Collection method: clinical testing. Allele origin: germline.

Breakthrough Genomics
Classification: Benign. Review status: criteria provided, single submitter. Criteria: ACMG Guidelines, 2015. Collection method: not provided. Allele origin: germline. Inheritance: Unknown mechanism. Affected: yes.

Clinical Genetics DNA and cytogenetics Diagnostics Lab, Erasmus MC, Erasmus Medical Center
Classification: Likely benign. Review status: no assertion criteria provided. Collection method: clinical testing. Allele origin: germline. Affected: yes. Study: VKGL Data-share Consensus. Not counted in ClinVar's aggregate classification.

Genome Diagnostics Laboratory, University Medical Center Utrecht
Classification: Likely benign. Review status: no assertion criteria provided. Collection method: clinical testing. Allele origin: germline. Affected: yes. Study: VKGL Data-share Consensus. Not counted in ClinVar's aggregate classification.

NM_005428.4(VAV1):c.1047G>A (p.Glu349=)

Gene: VAV1 (vav guanine nucleotide exchange factor 1; plus strand). Cytogenetic location: 19p13.3.
Variant type: single nucleotide variant.
Coding change: c.1047G>A on transcript NM_005428.4 (MANE Select); coding-DNA position 1047, G replaced by A.
Protein change: p.Glu349=; no amino-acid change (glutamic acid 349 retained).
Molecular consequence: synonymous variant.
Genome position (GRCh38, 1-based): chr19:6,828,442, G>A. VCF-style: chr19-6828442-G-A. GRCh37 (hg19) VCF-style: chr19-6828453-G-A.
Other names: c.1047G>A, p.Glu349= (NM_001258206.2); c.951G>A, p.Glu317= (NM_001258207.2).
Identifiers: ClinVar variation 711997 (VCV000711997.53), dbSNP rs61750001, ClinGen allele CA9132432.